The following is an entry in ClinVar:

ClinVar aggregate classification (germline): Likely benign. Review status: criteria provided, multiple submitters, no conflicts (2 of 4 stars). 2 submissions from 2 submitters: Likely benign (2). Last evaluated 2025-11-01.

Conditions:
Pheochromocytoma. Also called: MAX-Related Hereditary Paraganglioma-Pheochromocytoma Syndrome. Identifiers: Orphanet 29072, MedGen C0031511, MONDO:0008233, OMIM 171300, HP:0002666.
Gastrointestinal stromal tumor. Also called: Gastrointestinal stroma tumor; Gastrointestinal stromal tumor, somatic. Identifiers: Orphanet 44890, MedGen C0238198, MeSH D046152, MONDO:0011719, OMIM 606764, HP:0100723.
Pheochromocytoma/paraganglioma syndrome 4. Also called: SDHB-Related Hereditary Paraganglioma-Pheochromocytoma Syndrome (Paragangliomas 4); SDHB-Related Hereditary Paraganglioma-Pheochromocytoma Syndrome; CAROTID BODY TUMORS AND MULTIPLE EXTRAADRENAL PHEOCHROMOCYTOMAS; PARAGANGLIOMA, FAMILIAL MALIGNANT; PARAGANGLIOMAS, HEREDITARY EXTRAADRENAL; PHEOCHROMOCYTOMA, FAMILIAL EXTRAADRENAL. Identifiers: Orphanet 29072, MedGen C1861848, MONDO:0007273, OMIM 115310.

Allele frequency attached by ClinVar (database versions not stated): gnomAD exomes below 0.00001.

Submissions (2):

Labcorp Genetics (formerly Invitae), Labcorp
Classification: Likely benign for Gastrointestinal stromal tumor; Pheochromocytoma/paraganglioma syndrome 4; Pheochromocytoma. Last evaluated: 2025-11-01. Review status: criteria provided, single submitter. Criteria: Invitae Variant Classification Sherloc (09022015). Collection method: clinical testing. Allele origin: germline.

Myriad Genetics, Inc.
Classification: Likely benign for Pheochromocytoma/paraganglioma syndrome 4. Last evaluated: 2025-03-12. Review status: criteria provided, single submitter. Criteria: Myriad Autosomal Dominant, Autosomal Recessive and X-Linked Classification Criteria (2023). Collection method: clinical testing. Allele origin: unknown.
Comment: This variant is considered likely benign. This variant is intronic and is not expected to impact mRNA splicing.

NM_003000.3(SDHB):c.201-6T>C

Gene: SDHB (succinate dehydrogenase complex iron sulfur subunit B; minus strand). Cytogenetic location: 1p36.13.
Variant type: single nucleotide variant.
Coding change: c.201-6T>C on transcript NM_003000.3 (MANE Select); 6 bases into the intron before coding-DNA position 201, T replaced by C.
Molecular consequence: intron variant.
Genome position (GRCh38, 1-based): chr1:17,033,151, A>G on the plus strand (T>C on the coding strand, the complement: SDHB is on the minus strand). VCF-style: chr1-17033151-A-G. GRCh37 (hg19) VCF-style: chr1-17359646-A-G.
Identifiers: ClinVar variation 1079363 (VCV001079363.8), dbSNP rs2101529151, ClinGen allele CA2499214311.
Genomic context (GRCh38, chr1:17,033,151, plus strand): 5'-AGAGTCAACTTCATTCTTAATCTTGATTAAAGCATCCAATACCATGGGGCCACATCTAAC[A>G]AAGAAAAATATCCAGTGGTATTTATGTAACGTTCAACCTCCCTACACTTTATCATAATAT-3'